The following is an entry in ClinVar:

ClinVar aggregate classification (germline): Uncertain significance (1 of 4 stars; one submission).

Conditions:
RYR1-related disorder. Also called: RYR1-related condition; RYR1-related disorders. Identifiers: MedGen CN239331.

gnomAD v4.1: 1 of 1,609,808 alleles (0.000062%); highest among the groups gnomAD compares: South Asian, 0.0011%; no homozygotes.

Submission:

Labcorp Genetics (formerly Invitae), Labcorp
Classification: Uncertain significance for RYR1-related disorder. Last evaluated: 2021-09-29. Review status: criteria provided, single submitter. Criteria: Invitae Variant Classification Sherloc (09022015). Collection method: clinical testing. Allele origin: germline.
Comment: This variant is not present in population databases (ExAC no frequency). In summary, the available evidence is currently insufficient to determine the role of this variant in disease. Therefore, it has been classified as a Variant of Uncertain Significance. Algorithms developed to predict the effect of missense changes on protein structure and function are either unavailable or do not agree on the potential impact of this missense change (SIFT: "Deleterious"; PolyPhen-2: "Benign"; Align-GVGD: "Class C0"). This variant has not been reported in the literature in individuals affected with RYR1-related conditions. This sequence change replaces alanine with proline at codon 3431 of the RYR1 protein (p.Ala3431Pro). The alanine residue is moderately conserved and there is a small physicochemical difference between alanine and proline.

NM_000540.3(RYR1):c.10291G>C (p.Ala3431Pro)

Gene: RYR1 (ryanodine receptor 1; plus strand). Cytogenetic location: 19q13.2.
Variant type: single nucleotide variant.
Coding change: c.10291G>C on transcript NM_000540.3 (MANE Select); coding-DNA position 10291, G replaced by C.
Protein change: p.Ala3431Pro; replaces alanine 3431 with proline.
Molecular consequence: missense variant.
Genome position (GRCh38, 1-based): chr19:38,523,059, G>C. VCF-style: chr19-38523059-G-C. GRCh37 (hg19) VCF-style: chr19-39013699-G-C.
Other names: c.10291G>C, p.Ala3431Pro (NM_001042723.2); short protein forms A3431P.
Identifiers: ClinVar variation 544442 (VCV000544442.6), dbSNP rs553113819, ClinGen allele CA405698715.